The following is an entry in ClinVar:

ClinVar aggregate classification (germline): Uncertain significance. Review status: criteria provided, multiple submitters, no conflicts (2 of 4 stars). 3 submissions from 3 submitters: Uncertain significance (3). Last evaluated 2026-01-05.

Conditions:
UNC119-related disorder. Also called: UNC119-related condition.

Allele frequency attached by ClinVar (database versions not stated): TOPMed 0.00002; gnomAD 0.00003.

Submissions (3):

Labcorp Genetics (formerly Invitae), Labcorp
Classification: Uncertain significance. Last evaluated: 2026-01-05. Review status: criteria provided, single submitter. Criteria: Invitae Variant Classification Sherloc (09022015). Collection method: clinical testing. Allele origin: germline.
Comment: This sequence change replaces arginine, which is basic and polar, with cysteine, which is neutral and slightly polar, at codon 130 of the UNC119 protein (p.Arg130Cys). This variant is present in population databases (rs200895223, gnomAD 0.02%). This variant has not been reported in the literature in individuals affected with UNC119-related conditions. ClinVar contains an entry for this variant (Variation ID: 636435). An algorithm developed to predict the effect of missense changes on protein structure and function (PolyPhen-2) suggests that this variant is likely to be disruptive. In summary, the available evidence is currently insufficient to determine the role of this variant in disease. Therefore, it has been classified as a Variant of Uncertain Significance.

Blueprint Genetics
Classification: Uncertain significance. Last evaluated: 2024-09-11. Review status: criteria provided, single submitter. Criteria: ACMG Guidelines, 2015. Collection method: clinical testing. Allele origin: germline.

PreventionGenetics, part of Exact Sciences
Classification: Uncertain significance for UNC119-related condition. Last evaluated: 2023-05-16. Review status: criteria provided, single submitter. Criteria: ACMG Guidelines, 2015. Collection method: clinical testing. Allele origin: germline.
Comment: The UNC119 c.388C>T variant is predicted to result in the amino acid substitution p.Arg130Cys. To our knowledge, this variant has not been reported in the literature. This variant is reported in 0.015% of alleles in individuals of East Asian descent in gnomAD. At this time, the clinical significance of this variant is uncertain due to the absence of conclusive functional and genetic evidence.

NM_005148.4(UNC119):c.388C>T (p.Arg130Cys)

Gene: UNC119 (unc-119 lipid binding chaperone; minus strand). Cytogenetic location: 17q11.2.
Variant type: single nucleotide variant.
Coding change: c.388C>T on transcript NM_005148.4 (MANE Select); coding-DNA position 388, C replaced by T.
Protein change: p.Arg130Cys; replaces arginine 130 with cysteine.
Molecular consequence: missense variant.
Genome position (GRCh38, 1-based): chr17:28,548,048, G>A on the plus strand (C>T on the coding strand, the complement: UNC119 is on the minus strand). VCF-style: chr17-28548048-G-A. GRCh37 (hg19) VCF-style: chr17-26875066-G-A.
Other names: c.103C>T, p.Arg35Cys (NM_001330166.2); c.388C>T, p.Arg130Cys (NM_054035.2); short protein forms R130C, R35C.
Identifiers: ClinVar variation 636435 (VCV000636435.9), dbSNP rs200895223, ClinGen allele CA8459814.